The following is an entry in ClinVar:

ClinVar aggregate classification (germline): Uncertain significance. Review status: criteria provided, multiple submitters, no conflicts (2 of 4 stars). 2 submissions from 2 submitters: Uncertain significance (2). Last evaluated 2025-07-15.

Conditions:
Inborn genetic diseases. Identifiers: MedGen C0950123, MeSH D030342.

Allele frequency attached by ClinVar (database versions not stated): ExAC 0.00004.
gnomAD v4.1: 15 of 1,187,377 alleles (0.0013%); highest among the groups gnomAD compares: South Asian, 0.0018%; no homozygotes.

Submissions (2):

Ambry Genetics
Classification: Uncertain significance for Inborn genetic diseases. Last evaluated: 2025-07-15. Review status: criteria provided, single submitter. Criteria: Ambry Variant Classification Scheme 2023. Collection method: clinical testing. Allele origin: germline.

Labcorp Genetics (formerly Invitae), Labcorp
Classification: Uncertain significance. Last evaluated: 2022-02-06. Review status: criteria provided, single submitter. Criteria: Invitae Variant Classification Sherloc (09022015). Collection method: clinical testing. Allele origin: germline.
Comment: In summary, the available evidence is currently insufficient to determine the role of this variant in disease. Therefore, it has been classified as a Variant of Uncertain Significance. Advanced modeling of protein sequence and biophysical properties (such as structural, functional, and spatial information, amino acid conservation, physicochemical variation, residue mobility, and thermodynamic stability) performed at Invitae indicates that this missense variant is expected to disrupt CACNA1F protein function. This variant has not been reported in the literature in individuals affected with CACNA1F-related conditions. The frequency data for this variant in the population databases is considered unreliable, as metrics indicate poor data quality at this position in the gnomAD database. This sequence change replaces arginine, which is basic and polar, with cysteine, which is neutral and slightly polar, at codon 523 of the CACNA1F protein (p.Arg523Cys).

NM_001256789.3(CACNA1F):c.1534C>T (p.Arg512Cys)

Gene: CACNA1F (calcium voltage-gated channel subunit alpha1 F; minus strand). Cytogenetic location: Xp11.23.
Variant type: single nucleotide variant.
Coding change: c.1534C>T on transcript NM_001256789.3 (MANE Select); coding-DNA position 1534, C replaced by T.
Protein change: p.Arg512Cys; replaces arginine 512 with cysteine.
Molecular consequence: missense variant.
Genome position (GRCh38, 1-based): chrX:49,226,026, G>A on the plus strand (C>T on the coding strand, the complement: CACNA1F is on the minus strand). VCF-style: chrX-49226026-G-A. GRCh37 (hg19) VCF-style: chrX-49082488-G-A.
Other names: c.1567C>T (NM_005183.2); c.1372C>T, p.Arg458Cys (NM_001256790.3); c.1567C>T, p.Arg523Cys (NM_005183.4); short protein forms R512C, R523C, R458C.
Identifiers: ClinVar variation 1914221 (VCV001914221.6), dbSNP rs782544445, ClinGen allele CA10410830.